The following is an entry in ClinVar:

ClinVar aggregate classification (germline): Likely benign. Review status: criteria provided, multiple submitters, no conflicts (2 of 4 stars). 2 submissions from 2 submitters: Likely benign (2). Last evaluated 2018-11-09.

Conditions:
Koolen-de Vries syndrome (KDVS). Identifiers: Orphanet 96169, MedGen C1864871, MONDO:0012496, OMIM 610443.

Allele frequency attached by ClinVar (database versions not stated): TOPMed below 0.00001.
gnomAD v4.1: 1 of 1,614,278 alleles (0.000062%); highest among the groups gnomAD compares: Admixed American, 0.0017%; no homozygotes.

Submissions (2):

Labcorp Genetics (formerly Invitae), Labcorp
Classification: Likely benign for Koolen-de Vries syndrome. Last evaluated: 2018-11-09. Review status: criteria provided, single submitter. Criteria: Invitae Variant Classification Sherloc (09022015). Collection method: clinical testing. Allele origin: germline.

GeneDx
Classification: Likely benign. Last evaluated: 2018-01-23. Review status: criteria provided, single submitter. Criteria: GeneDx Variant Classification (06012015). Collection method: clinical testing. Allele origin: germline. Affected: yes.
Comment: This variant is considered likely benign or benign based on one or more of the following criteria: it is a conservative change, it occurs at a poorly conserved position in the protein, it is predicted to be benign by multiple in silico algorithms, and/or has population frequency not consistent with disease.

NM_015443.4(KANSL1):c.213C>T (p.Asp71=)

Gene: KANSL1 (KAT8 regulatory NSL complex subunit 1). Cytogenetic location: 17q21.31.
Variant type: single nucleotide variant.
Coding change: c.213C>T on transcript NM_015443.4 (MANE Select); coding-DNA position 213, C replaced by T.
Protein change: p.Asp71=; no amino-acid change (aspartic acid 71 retained).
Molecular consequence: synonymous variant.
Genome position (GRCh38, 1-based): chr17:46,171,931, G>A on the plus strand (C>T on the coding strand, the complement: KANSL1 is on the minus strand). VCF-style: chr17-46171931-G-A. GRCh37 (hg19) VCF-style: chr17-44249297-G-A.
Other names: c.213C>T, p.Asp71= (NM_001193465.2, NM_001193466.2, NM_001379198.1).
Identifiers: ClinVar variation 515032 (VCV000515032.11), dbSNP rs1041951554, ClinGen allele CA291115079.